The following is an entry in ClinVar:

ClinVar aggregate classification (germline): Uncertain significance (1 of 4 stars; one submission).

Conditions:
Inborn genetic diseases. Identifiers: MedGen C0950123, MeSH D030342.

Allele frequency attached by ClinVar (database versions not stated): gnomAD exomes below 0.00001; gnomAD 0.00001; TOPMed 0.00002.
gnomAD v4.1: 3 of 1,611,434 alleles (0.00019%); highest among the groups gnomAD compares: African/African-American, 0.004%; no homozygotes.

Submission:

Ambry Genetics
Classification: Uncertain significance for Inborn genetic diseases. Last evaluated: 2023-09-09. Review status: criteria provided, single submitter. Criteria: Ambry Variant Classification Scheme 2023. Collection method: clinical testing. Allele origin: germline.
Comment: The p.I2088R variant (also known as c.6263T>G), located in coding exon 42 of the LRRK2 gene, results from a T to G substitution at nucleotide position 6263. The isoleucine at codon 2088 is replaced by arginine, an amino acid with similar properties. This amino acid position is conserved. In addition, this alteration is predicted to be tolerated by in silico analysis. Since supporting evidence is limited at this time, the clinical significance of this alteration remains unclear.

NM_198578.4(LRRK2):c.6263T>G (p.Ile2088Arg)

Gene: LRRK2 (leucine rich repeat kinase 2; plus strand). Cytogenetic location: 12q12.
Variant type: single nucleotide variant.
Coding change: c.6263T>G on transcript NM_198578.4 (MANE Select); coding-DNA position 6263, T replaced by G.
Protein change: p.Ile2088Arg; replaces isoleucine 2088 with arginine.
Molecular consequence: missense variant.
Genome position (GRCh38, 1-based): chr12:40,346,906, T>G. VCF-style: chr12-40346906-T-G. GRCh37 (hg19) VCF-style: chr12-40740708-T-G.
Other names: short protein forms I2088R.
Identifiers: ClinVar variation 1752506 (VCV001752506.3), dbSNP rs1455640861, ClinGen allele CA384405711.